The following is an entry in ClinVar:

NM_003240.5(LEFTY2):c.197G>T (p.Arg66Leu)

Gene: LEFTY2 (left-right determination factor 2; minus strand). Cytogenetic location: 1q42.12.
Variant type: single nucleotide variant.
Coding change: c.197G>T on transcript NM_003240.5 (MANE Select); coding-DNA position 197, G replaced by T.
Protein change: p.Arg66Leu; replaces arginine 66 with leucine.
Molecular consequence: missense variant.
Genome position (GRCh38, 1-based): chr1:225,940,944, C>A on the plus strand (G>T on the coding strand, the complement: LEFTY2 is on the minus strand). VCF-style: chr1-225940944-C-A. GRCh37 (hg19) VCF-style: chr1-226128644-C-A.
Other names: c.197G>T, p.Arg66Leu (NM_001172425.3); short protein forms R66L.
Identifiers: ClinVar variation 3012710 (VCV003012710.3), dbSNP rs745994230, ClinGen allele CA345018610.

ClinVar aggregate classification (germline): Uncertain significance (1 of 4 stars; one submission).

Conditions:
Left-right axis malformations. Identifiers: MedGen C1866091.

Submission:

Labcorp Genetics (formerly Invitae), Labcorp
Classification: Uncertain significance for Left-right axis malformations. Last evaluated: 2024-01-04. Review status: criteria provided, single submitter. Criteria: Invitae Variant Classification Sherloc (09022015). Collection method: clinical testing. Allele origin: germline.
Comment: This sequence change replaces arginine, which is basic and polar, with leucine, which is neutral and non-polar, at codon 66 of the LEFTY2 protein (p.Arg66Leu). This variant is present in population databases (no rsID available, gnomAD 0.003%). This variant has not been reported in the literature in individuals affected with LEFTY2-related conditions. Advanced modeling of protein sequence and biophysical properties (such as structural, functional, and spatial information, amino acid conservation, physicochemical variation, residue mobility, and thermodynamic stability) performed at Invitae indicates that this missense variant is not expected to disrupt LEFTY2 protein function with a negative predictive value of 80%. In summary, the available evidence is currently insufficient to determine the role of this variant in disease. Therefore, it has been classified as a Variant of Uncertain Significance.